The following is an entry in ClinVar:

ClinVar aggregate classification (germline): Pathogenic (1 of 4 stars; one submission).

Conditions:
TH-deficient dopa-responsive dystonia. Also called: Tyrosine Hydroxylase-Deficient Dopa-Responsive Dystonia; Segawa syndrome, autosomal recessive; DYT-TH. Identifiers: Orphanet 101150, MedGen C2673535, MONDO:0011551, OMIM 605407.

Submission:

Labcorp Genetics (formerly Invitae), Labcorp
Classification: Pathogenic for TH-deficient dopa-responsive dystonia. Last evaluated: 2021-04-30. Review status: criteria provided, single submitter. Criteria: Invitae Variant Classification Sherloc (09022015). Collection method: clinical testing. Allele origin: germline.
Comment: This variant is not present in population databases (ExAC no frequency). This sequence change creates a premature translational stop signal (p.Lys411*) in the TH gene. It is expected to result in an absent or disrupted protein product. Loss-of-function variants in TH are known to be pathogenic (PMID: 22264700, 24753243). This variant has not been reported in the literature in individuals with TH-related conditions. For these reasons, this variant has been classified as Pathogenic.

Literature cited by the submitters: PubMed 22264700; PubMed 24753243.

NM_000360.4(TH):c.1138A>T (p.Lys380Ter)

Gene: TH (tyrosine hydroxylase; minus strand). Cytogenetic location: 11p15.5.
Variant type: single nucleotide variant.
Coding change: c.1138A>T on transcript NM_000360.4 (MANE Select); coding-DNA position 1138, A replaced by T.
Protein change: p.Lys380Ter; replaces lysine 380 with a stop codon.
Molecular consequence: nonsense.
Genome position (GRCh38, 1-based): chr11:2,165,730, T>A on the plus strand (A>T on the coding strand, the complement: TH is on the minus strand). VCF-style: chr11-2165730-T-A. GRCh37 (hg19) VCF-style: chr11-2186960-T-A.
Other names: c.1231A>T, p.Lys411Ter (NM_199292.3); c.1219A>T, p.Lys407Ter (NM_199293.3); short protein forms K407*, K380*, K411*.
Identifiers: ClinVar variation 1359133 (VCV001359133.6), dbSNP rs2133690361, ClinGen allele CA379125705.